The following is an entry in ClinVar:

ClinVar aggregate classification (germline): Uncertain significance (1 of 4 stars; one submission).

Submission:

Labcorp Genetics (formerly Invitae), Labcorp
Classification: Uncertain significance. Last evaluated: 2024-07-24. Review status: criteria provided, single submitter. Criteria: Invitae Variant Classification Sherloc (09022015). Collection method: clinical testing. Allele origin: germline.
Comment: This sequence change replaces arginine, which is basic and polar, with lysine, which is basic and polar, at codon 1009 of the KL protein (p.Arg1009Lys). This variant is not present in population databases (gnomAD no frequency). This variant has not been reported in the literature in individuals affected with KL-related conditions. Advanced modeling of protein sequence and biophysical properties (such as structural, functional, and spatial information, amino acid conservation, physicochemical variation, residue mobility, and thermodynamic stability) performed at Invitae indicates that this missense variant is not expected to disrupt KL protein function with a negative predictive value of 80%. In summary, the available evidence is currently insufficient to determine the role of this variant in disease. Therefore, it has been classified as a Variant of Uncertain Significance.

NM_004795.4(KL):c.3026G>A (p.Arg1009Lys)

Gene: KL (klotho; plus strand). Cytogenetic location: 13q13.1.
Variant type: single nucleotide variant.
Coding change: c.3026G>A on transcript NM_004795.4 (MANE Select); coding-DNA position 3026, G replaced by A.
Protein change: p.Arg1009Lys; replaces arginine 1009 with lysine.
Molecular consequence: missense variant.
Genome position (GRCh38, 1-based): chr13:33,064,173, G>A. VCF-style: chr13-33064173-G-A. GRCh37 (hg19) VCF-style: chr13-33638310-G-A.
Other names: short protein forms R1009K.
Identifiers: ClinVar variation 3691794 (VCV003691794.2).